The following is an entry in ClinVar:

NM_002017.5(FLI1):c.747G>C (p.Thr249=)

Gene: FLI1 (Fli-1 proto-oncogene, ETS transcription factor; plus strand). Cytogenetic location: 11q24.3.
Variant type: single nucleotide variant.
Coding change: c.747G>C on transcript NM_002017.5 (MANE Select); coding-DNA position 747, G replaced by C.
Protein change: p.Thr249=; no amino-acid change (threonine 249 retained).
Molecular consequence: synonymous variant.
Genome position (GRCh38, 1-based): chr11:128,807,205, G>C. VCF-style: chr11-128807205-G-C. GRCh37 (hg19) VCF-style: chr11-128677100-G-C.
Other names: c.648G>C, p.Thr216= (NM_001167681.3); c.549G>C, p.Thr183= (NM_001271010.2); c.168G>C, p.Thr56= (NM_001271012.2).
Identifiers: ClinVar variation 768497 (VCV000768497.27), dbSNP rs200640652, ClinGen allele CA6357227.

ClinVar aggregate classification (germline): Benign/Likely benign. Review status: criteria provided, multiple submitters, no conflicts (2 of 4 stars). 4 submissions from 4 submitters: Benign (1); Likely benign (2). 1 of the submissions does not count toward it. Last evaluated 2025-10-23.

Conditions:
FLI1-related disorder. Also called: FLI1-related condition.

Allele frequency attached by ClinVar (database versions not stated): 1000 Genomes Project 30x 0.00031; 1000 Genomes Project 0.00040; TOPMed 0.00049; ESP Exome Variant Server 0.00050; gnomAD 0.00099.
gnomAD v4.1: 470 of 1,600,056 alleles (0.029%); highest among the groups gnomAD compares: East Asian, 0.21%; 3 homozygotes.

Submissions (4):

Labcorp Genetics (formerly Invitae), Labcorp
Classification: Benign. Last evaluated: 2025-10-23. Review status: criteria provided, single submitter. Criteria: Invitae Variant Classification Sherloc (09022015). Collection method: clinical testing. Allele origin: germline.

Blueprint Genetics
Classification: Likely benign. Last evaluated: 2024-11-21. Review status: criteria provided, single submitter. Criteria: ACMG Guidelines, 2015. Collection method: clinical testing. Allele origin: germline.

CeGaT Center for Human Genetics Tuebingen
Classification: Likely benign. Last evaluated: 2024-07-01. Review status: criteria provided, single submitter. Criteria: CeGaT Center For Human Genetics Tuebingen Variant Classification Criteria Version 2. Collection method: clinical testing. Allele origin: germline. Affected: yes. Observed: 1 variant allele.
Comment: FLI1: BP4, BP7

PreventionGenetics, part of Exact Sciences
Classification: Likely benign for FLI1-related condition. Last evaluated: 2019-02-22. Review status: no assertion criteria provided. Collection method: clinical testing. Allele origin: germline. Not counted in ClinVar's aggregate classification.
Comment: This variant is classified as likely benign based on ACMG/AMP sequence variant interpretation guidelines (Richards et al. 2015 PMID: 25741868, with internal and published modifications).